The following is an entry in ClinVar:

ClinVar aggregate classification (germline): Uncertain significance. Review status: criteria provided, multiple submitters, no conflicts (2 of 4 stars). 3 submissions from 3 submitters: Uncertain significance (3). Last evaluated 2025-04-30.

Conditions:
Primary immunodeficiency with natural-killer cell deficiency and adrenal insufficiency (IMD54). Also called: IMMUNODEFICIENCY 54; Natural killer cell and glucocorticoid deficiency with DNA repair defect. Identifiers: Orphanet 75391, MedGen C1864947, MONDO:0012383, OMIM 609981.

gnomAD v4.1: 45 of 1,550,428 alleles (0.0029%); highest among the groups gnomAD compares: Admixed American, 0.051%; no homozygotes.

Submissions (3):

Laboratorio de Genetica e Diagnostico Molecular, Hospital Israelita Albert Einstein
Classification: Uncertain significance for Primary immunodeficiency with natural-killer cell deficiency and adrenal insufficiency. Last evaluated: 2025-04-30. Review status: criteria provided, single submitter. Criteria: ACMG Guidelines, 2015. Collection method: clinical testing. Allele origin: germline. Affected: yes.
Comment: ACMG classification criteria: PM2 supporting, BP4 supporting

Ambry Genetics
Classification: Uncertain significance. Last evaluated: 2024-10-07. Review status: criteria provided, single submitter. Criteria: Ambry Variant Classification Scheme 2023. Collection method: clinical testing. Allele origin: germline.

Labcorp Genetics (formerly Invitae), Labcorp
Classification: Uncertain significance. Last evaluated: 2024-05-31. Review status: criteria provided, single submitter. Criteria: Invitae Variant Classification Sherloc (09022015). Collection method: clinical testing. Allele origin: germline.
Comment: This sequence change replaces arginine, which is basic and polar, with cysteine, which is neutral and slightly polar, at codon 11 of the MCM4 protein (p.Arg11Cys). This variant is present in population databases (rs369039102, gnomAD 0.06%). This variant has not been reported in the literature in individuals affected with MCM4-related conditions. ClinVar contains an entry for this variant (Variation ID: 2416681). An algorithm developed to predict the effect of missense changes on protein structure and function (PolyPhen-2) suggests that this variant¬†is likely to be tolerated. In summary, the available evidence is currently insufficient to determine the role of this variant in disease. Therefore, it has been classified as a Variant of Uncertain Significance.

NM_182746.3(MCM4):c.31C>T (p.Arg11Cys)

Genes: MCM4 (minichromosome maintenance complex component 4; plus strand), LOC130000338 (ATAC-STARR-seq lymphoblastoid silent region 19178; plus strand). Cytogenetic location: 8q11.21.
Variant type: single nucleotide variant.
Coding change: c.31C>T on transcript NM_182746.3 (MANE Select); coding-DNA position 31, C replaced by T.
Protein change: p.Arg11Cys; replaces arginine 11 with cysteine.
Molecular consequence: missense variant.
Genome position (GRCh38, 1-based): chr8:47,961,175, C>T. VCF-style: chr8-47961175-C-T. GRCh37 (hg19) VCF-style: chr8-48873735-C-T.
Other names: c.31C>T, p.Arg11Cys (NM_005914.4); c.31C>T (NM_005914.3); short protein forms R11C.
Identifiers: ClinVar variation 2416681 (VCV002416681.8), dbSNP rs369039102, ClinGen allele CA4742147.
Genomic context (GRCh38, chr8:47,961,175, plus strand): 5'-TGTCCTTGTCGCGCAGGTACTCCGAGCACTATGTCGTCCCCGGCGTCGACCCCGAGCCGC[C>T]GCGGCAGCCGGCGTGGAAGGGCCACCCCCGCCCAGACGCGTGAGTCCCCCGAGCCGGGCC-3'
Protein context (NP_877423.1, residues 1-21): MSSPASTPSR[Arg11Cys]GSRRGRATPA